The following is an entry in ClinVar:

NM_002913.5(RFC1):c.53G>A (p.Ser18Asn)

Gene: RFC1 (replication factor C subunit 1; minus strand). Cytogenetic location: 4p14.
Variant type: single nucleotide variant.
Coding change: c.53G>A on transcript NM_002913.5 (MANE Select); coding-DNA position 53, G replaced by A.
Protein change: p.Ser18Asn; replaces serine 18 with asparagine.
Molecular consequence: missense variant.
Genome position (GRCh38, 1-based): chr4:39,351,427, C>T on the plus strand (G>A on the coding strand, the complement: RFC1 is on the minus strand). VCF-style: chr4-39351427-C-T. GRCh37 (hg19) VCF-style: chr4-39353047-C-T.
Other names: c.53G>A, p.Ser18Asn (NM_001204747.2, NM_001363495.2, NM_001363496.2); c.53G>A (NM_001204747.1); short protein forms S18N.
Identifiers: ClinVar variation 1298957 (VCV001298957.37), dbSNP rs61759896, ClinGen allele CA2893540.

ClinVar aggregate classification (germline): Likely benign. Review status: criteria provided, multiple submitters, no conflicts (2 of 4 stars). 4 submissions from 4 submitters: Likely benign (3). 1 of the submissions does not count toward it. Last evaluated 2026-08-01.

Conditions:
RFC1-related disorder. Also called: RFC1-Related Disorders; RFC1-related condition. Identifiers: MedGen CN382339.
Inborn genetic diseases. Identifiers: MedGen C0950123, MeSH D030342.

Allele frequency attached by ClinVar (database versions not stated): gnomAD exomes 0.00231 and 0.00247; gnomAD 0.00310 and 0.00328; 1000 Genomes Project 30x 0.00094; ExAC 0.00322; 1000 Genomes Project 0.00100; TOPMed 0.00126; ESP Exome Variant Server 0.00216.
gnomAD v4.1: 3,724 of 1,580,744 alleles (0.24%); highest among the groups gnomAD compares: Non-Finnish European, 0.25%; 25 homozygotes.

Submissions (4):

CeGaT Center for Human Genetics Tuebingen
Classification: Likely benign. Last evaluated: 2026-08-01. Review status: criteria provided, single submitter. Criteria: CeGaT Center For Human Genetics Tuebingen Variant Classification Criteria Version 2. Collection method: clinical testing. Allele origin: germline. Affected: yes. Observed: 9 variant alleles.
Comment: RFC1: BP4, BS2

Ambry Genetics
Classification: Likely benign for Inborn genetic diseases. Last evaluated: 2025-04-08. Review status: criteria provided, single submitter. Criteria: Ambry Variant Classification Scheme 2023. Collection method: clinical testing. Allele origin: germline.

Breakthrough Genomics
Classification: Likely benign. Review status: criteria provided, single submitter. Criteria: ACMG Guidelines, 2015. Collection method: not provided. Allele origin: germline. Inheritance: Autosomal recessive inheritance. Affected: yes.

PreventionGenetics, part of Exact Sciences
Classification: Benign for RFC1-related condition. Last evaluated: 2019-10-30. Review status: no assertion criteria provided. Collection method: clinical testing. Allele origin: germline. Not counted in ClinVar's aggregate classification.
Comment: This variant is classified as benign based on ACMG/AMP sequence variant interpretation guidelines (Richards et al. 2015 PMID: 25741868, with internal and published modifications).